The following is an entry in ClinVar:

NM_145207.3(AFG2A):c.1677C>A (p.Tyr559Ter)

Gene: AFG2A (AAA ATPase AFG2A; plus strand). Cytogenetic location: 4q28.1.
Variant type: single nucleotide variant.
Coding change: c.1677C>A on transcript NM_145207.3 (MANE Select); coding-DNA position 1677, C replaced by A.
Protein change: p.Tyr559Ter; replaces tyrosine 559 with a stop codon.
Molecular consequence: nonsense.
Genome position (GRCh38, 1-based): chr4:122,947,451, C>A. VCF-style: chr4-122947451-C-A. GRCh37 (hg19) VCF-style: chr4-123868606-C-A.
Other names: c.1674C>A, p.Tyr558Ter (NM_001317799.2, NM_001345856.2); short protein forms Y559*, Y558*.
Identifiers: ClinVar variation 207827 (VCV000207827.6), dbSNP rs139834687, ClinGen allele CA248377.

ClinVar aggregate classification (germline): Pathogenic. Review status: criteria provided, single submitter (1 of 4 stars). 2 submissions from 2 submitters: Pathogenic (1). 1 of the submissions does not count toward it. Last evaluated 2024-01-15.

Conditions:
Microcephaly-intellectual disability-sensorineural hearing loss-epilepsy-abnormal muscle tone syndrome (NEDHSB). Also called: NEURODEVELOPMENTAL DISORDER WITH HEARING LOSS, SEIZURES, AND BRAIN ABNORMALITIES. Identifiers: Orphanet 457351, MedGen C4225276, MONDO:0014698, OMIM 616577.

Allele frequency attached by ClinVar (database versions not stated): TOPMed 0.00005.
gnomAD v4.1: 17 of 1,613,422 alleles (0.0011%); highest among the groups gnomAD compares: Admixed American, 0.0017%; no homozygotes.

Submissions (2):

Labcorp Genetics (formerly Invitae), Labcorp
Classification: Pathogenic for Microcephaly-intellectual disability-sensorineural hearing loss-epilepsy-abnormal muscle tone syndrome. Last evaluated: 2024-01-15. Review status: criteria provided, single submitter. Criteria: Invitae Variant Classification Sherloc (09022015). Collection method: clinical testing. Allele origin: germline.
Comment: This sequence change creates a premature translational stop signal (p.Tyr559*) in the SPATA5 gene. It is expected to result in an absent or disrupted protein product. Loss-of-function variants in SPATA5 are known to be pathogenic (PMID: 26299366). This variant is present in population databases (rs139834687, gnomAD 0.0009%). This premature translational stop signal has been observed in individual(s) with epilepsy, hearing loss, and intellectual disability syndrome (PMID: 26299366). In at least one individual the data is consistent with being in trans (on the opposite chromosome) from a pathogenic variant. ClinVar contains an entry for this variant (Variation ID: 207827). For these reasons, this variant has been classified as Pathogenic.

Genome Diagnostics Laboratory, University Medical Center Utrecht
Classification: Pathogenic. Last evaluated: 2015-08-03. Review status: no assertion criteria provided. Collection method: clinical testing. Allele origin: germline. Affected: yes. Not counted in ClinVar's aggregate classification.
Comment: The p.Y559* variant in the SPATA5 gene has not been reported previously as a disease-causing mutation nor as a benign polymorphism, to our knowledge. This variant is predicted to cause loss of normal protein function either through protein truncation or nonsense-mediated mRNA decay. The Y559* variant was observed once in approximately 33.000 individuals of European ancestry (ExAC database), indicating it is not a common benign variant in these populations. We interpret Y559* as a pathogenic variant.

Literature cited by the submitters: PubMed 26299366 (cited by Labcorp Genetics (formerly Invitae), Labcorp).